The following is an entry in ClinVar:

NM_000539.3(RHO):c.71T>G (p.Phe24Cys)

Gene: RHO (rhodopsin; plus strand). Cytogenetic location: 3q22.1.
Variant type: single nucleotide variant.
Coding change: c.71T>G on transcript NM_000539.3 (MANE Select); coding-DNA position 71, T replaced by G.
Protein change: p.Phe24Cys; replaces phenylalanine 24 with cysteine.
Molecular consequence: missense variant.
Genome position (GRCh38, 1-based): chr3:129,528,804, T>G. VCF-style: chr3-129528804-T-G. GRCh37 (hg19) VCF-style: chr3-129247647-T-G.
Other names: short protein forms F24C.
Identifiers: ClinVar variation 1996795 (VCV001996795.4), dbSNP rs2533019513, ClinGen allele CA354495513.

ClinVar aggregate classification (germline): Uncertain significance (1 of 4 stars; one submission).

Submission:

Labcorp Genetics (formerly Invitae), Labcorp
Classification: Uncertain significance. Last evaluated: 2022-10-13. Review status: criteria provided, single submitter. Criteria: Invitae Variant Classification Sherloc (09022015). Collection method: clinical testing. Allele origin: germline.
Comment: In summary, the available evidence is currently insufficient to determine the role of this variant in disease. Therefore, it has been classified as a Variant of Uncertain Significance. Advanced modeling of protein sequence and biophysical properties (such as structural, functional, and spatial information, amino acid conservation, physicochemical variation, residue mobility, and thermodynamic stability) performed at Invitae indicates that this missense variant is expected to disrupt RHO protein function. This variant has not been reported in the literature in individuals affected with RHO-related conditions. This variant is not present in population databases (gnomAD no frequency). This sequence change replaces phenylalanine, which is neutral and non-polar, with cysteine, which is neutral and slightly polar, at codon 24 of the RHO protein (p.Phe24Cys).